The following is an entry in ClinVar:

NM_006734.4(HIVEP2):c.136C>T (p.Arg46Trp)

Gene: HIVEP2 (HIVEP zinc finger 2; minus strand). Cytogenetic location: 6q24.2.
Variant type: single nucleotide variant.
Coding change: c.136C>T on transcript NM_006734.4 (MANE Select); coding-DNA position 136, C replaced by T.
Protein change: p.Arg46Trp; replaces arginine 46 with tryptophan.
Molecular consequence: missense variant.
Genome position (GRCh38, 1-based): chr6:142,774,603, G>A on the plus strand (C>T on the coding strand, the complement: HIVEP2 is on the minus strand). VCF-style: chr6-142774603-G-A. GRCh37 (hg19) VCF-style: chr6-143095740-G-A.
Other names: c.136C>T (NM_006734.3); short protein forms R46W.
Identifiers: ClinVar variation 2420714 (VCV002420714.8), dbSNP rs200063029, ClinGen allele CA4028795.
Genomic context (GRCh38, chr6:142,774,603, plus strand): 5'-AACCAAACAGTTGTGCTGATGCTGTGTTTCCGATTTGCTCAGGCTCTATTTGTGGTTGCC[G>A]CTGTCCTTCATGACTGCCAAAAGTGCTCATCTTAATAACAGCTGATTGTTCCTGTCTCCA-3'
Protein context (NP_006725.3, residues 36-56): MSTFGSHEGQ[Arg46Trp]QPQIEPEQIG

ClinVar aggregate classification (germline): Likely benign. Review status: criteria provided, single submitter (1 of 4 stars). 2 submissions from 2 submitters: Likely benign (1). 1 of the submissions does not count toward it. Last evaluated 2025-08-20.

Conditions:
HIVEP2-related disorder. Also called: HIVEP2-related condition.

Allele frequency attached by ClinVar (database versions not stated): gnomAD 0.00001; TOPMed 0.00001; ExAC 0.00006; ESP Exome Variant Server 0.00008.
gnomAD v4.1: 171 of 1,614,068 alleles (0.011%); highest among the groups gnomAD compares: Non-Finnish European, 0.014%; no homozygotes.

Submissions (2):

Labcorp Genetics (formerly Invitae), Labcorp
Classification: Likely benign. Last evaluated: 2025-08-20. Review status: criteria provided, single submitter. Criteria: Invitae Variant Classification Sherloc (09022015). Collection method: clinical testing. Allele origin: germline.

PreventionGenetics, part of Exact Sciences
Classification: Likely benign for HIVEP2-related condition. Last evaluated: 2020-12-16. Review status: no assertion criteria provided. Collection method: clinical testing. Allele origin: germline. Not counted in ClinVar's aggregate classification.
Comment: This variant is classified as likely benign based on ACMG/AMP sequence variant interpretation guidelines (Richards et al. 2015 PMID: 25741868, with internal and published modifications).